The following is an entry in ClinVar:

NM_001572.5(IRF7):c.1366T>C (p.Trp456Arg)

Gene: IRF7 (interferon regulatory factor 7; minus strand). Cytogenetic location: 11p15.5.
Variant type: single nucleotide variant.
Coding change: c.1366T>C on transcript NM_001572.5 (MANE Select); coding-DNA position 1366, T replaced by C.
Protein change: p.Trp456Arg; replaces tryptophan 456 with arginine.
Molecular consequence: missense variant.
Genome position (GRCh38, 1-based): chr11:612,791, A>G on the plus strand (T>C on the coding strand, the complement: IRF7 is on the minus strand). VCF-style: chr11-612791-A-G. GRCh37 (hg19) VCF-style: chr11-612791-A-G.
Other names: c.1279T>C, p.Trp427Arg (NM_004029.4); c.1405T>C, p.Trp469Arg (NM_004031.4); short protein forms W427R, W456R, W469R.
Identifiers: ClinVar variation 1419411 (VCV001419411.6), dbSNP rs746725871, ClinGen allele CA5783459.
Genomic context (GRCh38, chr11:612,791, plus strand): 5'-TGCTATCCAGGGAAGACACACCCTCACGCTGCGTGCCCTCTAGGTGCACTCGGCACAGCC[A>G]GGGTTCCAGCTGCCAGGAGGGATCGGGCGTCTGTCAGTGACCCGGCGTGTGTCCTCCCCT-3'
Protein context (NP_001563.2, residues 446-466): KSLVLVKLEP[Trp456Arg]LCRVHLEGTQ

ClinVar aggregate classification (germline): Uncertain significance (1 of 4 stars; one submission).

Conditions:
Immunodeficiency 39 (IMD39). Identifiers: Orphanet 574918, MedGen C4225358, MONDO:0014597, OMIM 616345.

Allele frequency attached by ClinVar (database versions not stated): gnomAD exomes 0.00002 and 0.00001; ExAC 0.00001; gnomAD 0.00001; TOPMed 0.00001.
gnomAD v4.1: 6 of 1,609,922 alleles (0.00037%); highest among the groups gnomAD compares: Admixed American, 0.01%; no homozygotes.

Submission:

Labcorp Genetics (formerly Invitae), Labcorp
Classification: Uncertain significance for Immunodeficiency 39. Last evaluated: 2024-02-19. Review status: criteria provided, single submitter. Criteria: Invitae Variant Classification Sherloc (09022015). Collection method: clinical testing. Allele origin: germline.
Comment: This sequence change replaces tryptophan, which is neutral and slightly polar, with arginine, which is basic and polar, at codon 469 of the IRF7 protein (p.Trp469Arg). This variant is present in population databases (rs746725871, gnomAD 0.01%). This variant has not been reported in the literature in individuals affected with IRF7-related conditions. ClinVar contains an entry for this variant (Variation ID: 1419411). Advanced modeling of protein sequence and biophysical properties (such as structural, functional, and spatial information, amino acid conservation, physicochemical variation, residue mobility, and thermodynamic stability) performed at Invitae indicates that this missense variant is not expected to disrupt IRF7 protein function with a negative predictive value of 80%. In summary, the available evidence is currently insufficient to determine the role of this variant in disease. Therefore, it has been classified as a Variant of Uncertain Significance.